The following is an entry in ClinVar:

ClinVar aggregate classification (germline): Uncertain significance (1 of 4 stars; one submission).

Conditions:
Hereditary cancer-predisposing syndrome. Also called: Hereditary Cancer Syndrome; Neoplastic Syndromes, Hereditary; Tumor predisposition; Hereditary neoplastic syndrome. Identifiers: Orphanet 140162, MedGen C0027672, MeSH D009386, MONDO:0015356.

Submission:

Labcorp Genetics (formerly Invitae), Labcorp
Classification: Uncertain significance for Hereditary cancer-predisposing syndrome. Last evaluated: 2023-09-23. Review status: criteria provided, single submitter. Criteria: Invitae Variant Classification Sherloc (09022015). Collection method: clinical testing. Allele origin: germline.
Comment: In summary, the available evidence is currently insufficient to determine the role of this variant in disease. Therefore, it has been classified as a Variant of Uncertain Significance. Variants that disrupt the consensus splice site are a relatively common cause of aberrant splicing (PMID: 17576681, 9536098). Studies have shown that this missense change results in activation of a cryptic splice site and introduces a premature termination codon (Invitae). The resulting mRNA is expected to undergo nonsense-mediated decay. An algorithm developed to predict the effect of missense changes on protein structure and function (PolyPhen-2) suggests that this variant is likely to be disruptive. ClinVar contains an entry for this variant (Variation ID: 1021601). This variant has not been reported in the literature in individuals affected with RAD50-related conditions. This variant is not present in population databases (gnomAD no frequency). This sequence change replaces glycine, which is neutral and non-polar, with cysteine, which is neutral and slightly polar, at codon 351 of the RAD50 protein (p.Gly351Cys). RNA analysis indicates that this missense change induces altered splicing and may result in an absent or disrupted protein product.

Literature cited by the submitters: PubMed 17576681; PubMed 9536098.

NM_005732.4(RAD50):c.1051G>T (p.Gly351Cys)

Gene: RAD50 (RAD50 double strand break repair protein; plus strand). Cytogenetic location: 5q31.1.
Variant type: single nucleotide variant.
Coding change: c.1051G>T on transcript NM_005732.4 (MANE Select); coding-DNA position 1051, G replaced by T.
Protein change: p.Gly351Cys; replaces glycine 351 with cysteine.
Molecular consequence: missense variant.
Genome position (GRCh38, 1-based): chr5:132,588,089, G>T. VCF-style: chr5-132588089-G-T. GRCh37 (hg19) VCF-style: chr5-131923781-G-T.
Other names: short protein forms G351C.
Identifiers: ClinVar variation 1021601 (VCV001021601.9), dbSNP rs1750629364, ClinGen allele CA360941753.